The following is an entry in ClinVar:

NM_000051.4(ATM):c.8562C>T (p.Arg2854=)

Genes: ATM (ATM serine/threonine kinase; plus strand), C11orf65 (chromosome 11 open reading frame 65; minus strand). Cytogenetic location: 11q22.3.
Variant type: single nucleotide variant.
Coding change: c.8562C>T on transcript NM_000051.4 (MANE Select); coding-DNA position 8562, C replaced by T.
Protein change: p.Arg2854=; no amino-acid change (arginine 2854 retained).
Molecular consequence: synonymous variant. On other transcripts: intron variant (2).
Genome position (GRCh38, 1-based): chr11:108,345,886, C>T. VCF-style: chr11-108345886-C-T. GRCh37 (hg19) VCF-style: chr11-108216613-C-T.
Other names: c.8562C>T, p.Arg2854= (NM_001351834.2); c.641-36815G>A (NM_001330368.2); c.695-10594G>A (NM_001351110.2).
Identifiers: ClinVar variation 236790 (VCV000236790.18), dbSNP rs878853550, ClinGen allele CA10582862.

ClinVar aggregate classification (germline): Benign/Likely benign. Review status: criteria provided, multiple submitters, no conflicts (2 of 4 stars). 7 submissions from 7 submitters: Benign (1); Likely benign (6). Last evaluated 2025-03-27.

Conditions:
Hereditary cancer-predisposing syndrome. Also called: Neoplastic Syndromes, Hereditary; Hereditary neoplastic syndrome; Tumor predisposition; Hereditary Cancer Syndrome. Identifiers: Orphanet 140162, MedGen C0027672, MeSH D009386, MONDO:0015356.
Familial cancer of breast. Also called: hereditary breast carcinoma; Hereditary breast cancer; BREAST CANCER, FAMILIAL. Identifiers: Orphanet 227535, MedGen C0346153, MONDO:0016419, OMIM 114480. Disease mechanism: loss of function.
Ataxia-telangiectasia syndrome (AT). Also called: Ataxia telangiectasia (A-T); Cerebello-oculocutaneous telangiectasia; Immunodeficiency with ataxia telangiectasia; LOUIS-BAR SYNDROME; AT, COMPLEMENTATION GROUP C; ATAXIA-TELANGIECTASIA, FRESNO VARIANT. Identifiers: Orphanet 100, MedGen C0004135, MONDO:0008840, OMIM 208900.

Allele frequency attached by ClinVar (database versions not stated): gnomAD exomes below 0.00001; TOPMed below 0.00001.
gnomAD v4.1: 1 of 1,613,702 alleles (0.000062%); highest among the groups gnomAD compares: Non-Finnish European, 0.000085%; no homozygotes.

Submissions (7):

Labcorp Genetics (formerly Invitae), Labcorp
Classification: Likely benign for Ataxia-telangiectasia syndrome. Last evaluated: 2025-03-27. Review status: criteria provided, single submitter. Criteria: Invitae Variant Classification Sherloc (09022015). Collection method: clinical testing. Allele origin: germline.

Myriad Genetics, Inc.
Classification: Benign for Familial cancer of breast. Last evaluated: 2024-06-20. Review status: criteria provided, single submitter. Criteria: Myriad Autosomal Dominant, Autosomal Recessive and X-Linked Classification Criteria (2023). Collection method: clinical testing. Allele origin: unknown.
Comment: This variant is considered benign. This variant is a silent/synonymous amino acid change and it is not expected to impact splicing.

Ambry Genetics
Classification: Likely benign for Hereditary cancer-predisposing syndrome. Last evaluated: 2021-04-01. Review status: criteria provided, single submitter. Criteria: Ambry Variant Classification Scheme 2023. Collection method: clinical testing. Allele origin: germline.

Sema4
Classification: Likely benign for Hereditary cancer-predisposing syndrome. Last evaluated: 2020-08-10. Review status: criteria provided, single submitter. Criteria: Sema4 Curation Guidelines. Collection method: curation. Allele origin: germline.

Women's Health and Genetics/Laboratory Corporation of America, LabCorp
Classification: Likely benign. Last evaluated: 2019-08-21. Review status: criteria provided, single submitter. Criteria: LabCorp Variant Classification Summary - May 2015. Collection method: clinical testing. Allele origin: germline.

GeneDx
Classification: Likely benign. Last evaluated: 2017-10-03. Review status: criteria provided, single submitter. Criteria: GeneDx Variant Classification (06012015). Collection method: clinical testing. Allele origin: germline. Affected: yes.
Comment: This variant is considered likely benign or benign based on one or more of the following criteria: it is a conservative change, it occurs at a poorly conserved position in the protein, it is predicted to be benign by multiple in silico algorithms, and/or has population frequency not consistent with disease.

Color Diagnostics, LLC DBA Color Health
Classification: Likely benign for Hereditary cancer-predisposing syndrome. Last evaluated: 2016-04-26. Review status: criteria provided, single submitter. Criteria: ACMG Guidelines, 2015. Collection method: clinical testing. Allele origin: germline.